The following is an entry in ClinVar:

ClinVar aggregate classification (germline): Likely pathogenic (1 of 4 stars; one submission).

Conditions:
Bainbridge-Ropers syndrome. Also called: Severe feeding difficulties-failure to thrive-microcephaly due to ASXL3 deficiency syndrome. Identifiers: Orphanet 352577, MedGen C4750837, MONDO:0014205, OMIM 615485.

Submission:

Greenwood Genetic Center Diagnostic Laboratories, Greenwood Genetic Center
Classification: Likely pathogenic for Bainbridge-Ropers syndrome. Last evaluated: 2024-03-22. Review status: criteria provided, single submitter. Criteria: ACMG Guidelines, 2015. Collection method: clinical testing. Allele origin: germline. Affected: yes.
Comment: PVS1, PM2

NM_030632.3(ASXL3):c.1552_1555del (p.Val517_Lys518insTer)

Gene: ASXL3 (ASXL transcriptional regulator 3; plus strand). Cytogenetic location: 18q12.1.
Variant type: Deletion.
Coding change: c.1552_1555del on transcript NM_030632.3 (MANE Select); coding-DNA positions 1552 to 1555, 4 bases deleted (AAGA; older notation c.1552_1555delAAGA).
Protein change: p.Val517_Lys518insTer.
Molecular consequence: nonsense.
Genome position (GRCh38, 1-based): chr18:33,738,956-33,738,959, AAGA deleted. VCF-style (leftmost placement, unchanged base first): chr18-33738955-TAAGA-T. GRCh37 (hg19) VCF-style: chr18-31318919-TAAGA-T.
Identifiers: ClinVar variation 3235810 (VCV003235810.1), dbSNP rs2510916922, ClinGen allele CA2825002679.